The following is an entry in ClinVar:

ClinVar aggregate classification (germline): Pathogenic. Review status: criteria provided, single submitter (1 of 4 stars). 2 submissions from 2 submitters: Pathogenic (1). 1 of the submissions does not count toward it. Last evaluated 2019-01-25.

Conditions:
Hereditary spastic paraplegia 46. Also called: Spastic paraplegia 46, autosomal recessive. Identifiers: Orphanet 320391, MedGen C2828721, MONDO:0013737, OMIM 614409.

Allele frequency attached by ClinVar (database versions not stated): gnomAD exomes below 0.00001.
gnomAD v4.1: 1 of 1,613,568 alleles (0.000062%); highest among the groups gnomAD compares: Non-Finnish European, 0.000085%; no homozygotes.

Submissions (2):

SIB Swiss Institute of Bioinformatics
Classification: Pathogenic for Hereditary spastic paraplegia 46. Last evaluated: 2019-01-25. Review status: criteria provided, single submitter. Criteria: ACMG Guidelines, 2015. Collection method: curation. Allele origin: unknown.
Comment: This variant is interpreted as a Pathogenic for Spastic paraplegia 46, autosomal recessive. The following ACMG Tag(s) were applied: PM2 : Absent from controls (or at extremely low frequency if recessive) in Exome Sequencing Project, 1000 Genomes Project, or Exome Aggregation Consortium. PS3-Moderate : PS3 downgraded in strength to Moderate (PMID:26220345). PVS1 : Predicted nullvariant in a gene where LOF is a known mechanism of disease. PP1 : Cosegregation with disease in multiple affected family members in a gene definitively known to cause the disease (PMID:23332917).

OMIM
Classification: Pathogenic for SPASTIC PARAPLEGIA 46, AUTOSOMAL RECESSIVE. Last evaluated: 2013-02-07. Review status: no assertion criteria provided. Collection method: literature only. Allele origin: germline. Not counted in ClinVar's aggregate classification.

Literature cited by the submitters: PubMed 23332917 (cited by SIB Swiss Institute of Bioinformatics); PubMed 26220345 (cited by SIB Swiss Institute of Bioinformatics); PubMed 23332916 (cited by OMIM).

NM_020944.3(GBA2):c.518G>A (p.Trp173Ter)

Gene: GBA2 (glucosylceramidase beta 2; minus strand). Cytogenetic location: 9p13.3.
Variant type: single nucleotide variant.
Coding change: c.518G>A on transcript NM_020944.3 (MANE Select); coding-DNA position 518, G replaced by A.
Protein change: p.Trp173Ter; replaces tryptophan 173 with a stop codon.
Molecular consequence: nonsense.
Genome position (GRCh38, 1-based): chr9:35,744,346, C>T on the plus strand (G>A on the coding strand, the complement: GBA2 is on the minus strand). VCF-style: chr9-35744346-C-T. GRCh37 (hg19) VCF-style: chr9-35744343-C-T.
Other names: c.518G>A, p.Trp173Ter (NM_001330660.2); short protein forms W173*.
Identifiers: ClinVar variation 638294 (VCV000638294.3), dbSNP rs1588022768, ClinGen allele CA373419027.